The following is an entry in ClinVar:

ClinVar aggregate classification (germline): Conflicting classifications of pathogenicity. Review status: criteria provided, conflicting classifications (1 of 4 stars). 5 submissions from 5 submitters: Uncertain significance (3); Likely benign (2). Last evaluated 2026-04-01.

Conditions:
Congenital myasthenic syndrome 7. Also called: Myasthenic syndrome, congenital, 7, presynaptic; MYASTHENIC SYNDROME, CONGENITAL, 7A, PRESYNAPTIC, AND DISTAL MOTOR NEUROPATHY, AUTOSOMAL DOMINANT. Identifiers: Orphanet 590, MedGen C4015038, MONDO:0014468, OMIM 616040.

Allele frequency attached by ClinVar (database versions not stated): ExAC 0.00009; gnomAD exomes 0.00014 and 0.00018; 1000 Genomes Project 30x 0.00016; gnomAD 0.00017 and 0.00018; 1000 Genomes Project 0.00020; ESP Exome Variant Server 0.00023; TOPMed 0.00023.
gnomAD v4.1: 282 of 1,614,098 alleles (0.017%); highest among the groups gnomAD compares: Non-Finnish European, 0.021%; no homozygotes.

Submissions (5):

CeGaT Center for Human Genetics Tuebingen
Classification: Likely benign. Last evaluated: 2026-04-01. Review status: criteria provided, single submitter. Criteria: CeGaT Center For Human Genetics Tuebingen Variant Classification Criteria Version 2. Collection method: clinical testing. Allele origin: germline. Affected: yes. Observed: 1 variant allele.
Comment: SYT2: BS2

Labcorp Genetics (formerly Invitae), Labcorp
Classification: Uncertain significance. Last evaluated: 2025-10-29. Review status: criteria provided, single submitter. Criteria: Invitae Variant Classification Sherloc (09022015). Collection method: clinical testing. Allele origin: germline.
Comment: This sequence change replaces alanine, which is neutral and non-polar, with threonine, which is neutral and polar, at codon 67 of the SYT2 protein (p.Ala67Thr). This variant is present in population databases (rs147177966, gnomAD 0.02%). This variant has not been reported in the literature in individuals affected with SYT2-related conditions. ClinVar contains an entry for this variant (Variation ID: 1030352). An algorithm developed to predict the effect of missense changes on protein structure and function (PolyPhen-2) suggests that this variant is likely to be disruptive. In summary, the available evidence is currently insufficient to determine the role of this variant in disease. Therefore, it has been classified as a Variant of Uncertain Significance.

Blueprint Genetics
Classification: Likely benign. Last evaluated: 2024-10-24. Review status: criteria provided, single submitter. Criteria: ACMG Guidelines, 2015. Collection method: clinical testing. Allele origin: germline.

Revvity Omics, Revvity
Classification: Uncertain significance. Last evaluated: 2023-09-14. Review status: criteria provided, single submitter. Criteria: ACMG Guidelines, 2015. Collection method: clinical testing. Allele origin: germline.

Baylor Genetics
Classification: Uncertain significance for Congenital myasthenic syndrome 7. Last evaluated: 2019-03-22. Review status: criteria provided, single submitter. Criteria: ACMG Guidelines, 2015. Collection method: clinical testing. Allele origin: paternal. Affected: yes.
Comment: This variant was determined to be of uncertain significance according to ACMG Guidelines, 2015 [PMID:25741868].

NM_177402.5(SYT2):c.199G>A (p.Ala67Thr)

Gene: SYT2 (synaptotagmin 2; minus strand). Cytogenetic location: 1q32.1.
Variant type: single nucleotide variant.
Coding change: c.199G>A on transcript NM_177402.5 (MANE Select); coding-DNA position 199, G replaced by A.
Protein change: p.Ala67Thr; replaces alanine 67 with threonine.
Molecular consequence: missense variant.
Genome position (GRCh38, 1-based): chr1:202,604,601, C>T on the plus strand (G>A on the coding strand, the complement: SYT2 is on the minus strand). VCF-style: chr1-202604601-C-T. GRCh37 (hg19) VCF-style: chr1-202573729-C-T.
Other names: c.199G>A, p.Ala67Thr (NM_001136504.1); short protein forms A67T.
Identifiers: ClinVar variation 1030352 (VCV001030352.11), dbSNP rs147177966, ClinGen allele CA1333840.